The following is an entry in ClinVar:

ClinVar aggregate classification (germline): Uncertain significance. Review status: criteria provided, multiple submitters, no conflicts (2 of 4 stars). 2 submissions from 2 submitters: Uncertain significance (2). Last evaluated 2022-06-01.

Conditions:
Hemochromatosis type 1 (HFE1). Also called: HFE-Related Hemochromatosis; HFE-Associated Hereditary Hemochromatosis. Identifiers: Orphanet 465508, MedGen C3469186, MONDO:0021001, OMIM 235200. Disease mechanism: loss of function.

Allele frequency attached by ClinVar (database versions not stated): gnomAD 0.00002; gnomAD exomes 0.00002 and 0.00003; ExAC 0.00003; TOPMed 0.00003.
gnomAD v4.1: 38 of 1,614,040 alleles (0.0024%); highest among the groups gnomAD compares: Middle Eastern, 0.049%; no homozygotes.

Submissions (2):

GeneDx
Classification: Uncertain significance. Last evaluated: 2022-06-01. Review status: criteria provided, single submitter. Criteria: GeneDx Variant Classification Process June 2021. Collection method: clinical testing. Allele origin: germline. Affected: yes.
Comment: Not observed at significant frequency in large population cohorts (gnomAD); In silico analysis supports that this missense variant has a deleterious effect on protein structure/function; Has not been previously published as pathogenic or benign to our knowledge

Department of Pathology and Laboratory Medicine, Sinai Health System
Classification: Uncertain significance for Hemochromatosis type 1. Last evaluated: 2020-06-16. Review status: criteria provided, single submitter. Criteria: ACMG Guidelines, 2015. Collection method: research. Allele origin: germline.

NM_000410.4(HFE):c.212G>A (p.Arg71Gln)

Genes: HFE (homeostatic iron regulator; plus strand), HFE-AS1 (HFE antisense RNA 1; minus strand). Cytogenetic location: 6p22.2.
Variant type: single nucleotide variant.
Coding change: c.212G>A on transcript NM_000410.4 (MANE Select); coding-DNA position 212, G replaced by A.
Protein change: p.Arg71Gln; replaces arginine 71 with glutamine.
Molecular consequence: missense variant. On other transcripts: non-coding transcript variant (1), intron variant (4).
Genome position (GRCh38, 1-based): chr6:26,090,976, G>A. VCF-style: chr6-26090976-G-A. GRCh37 (hg19) VCF-style: chr6-26091204-G-A.
Other names: c.212G>A, p.Arg71Gln (NM_001300749.3, NM_001384164.1, NM_001406751.1 and 3 more transcripts); c.143G>A, p.Arg48Gln (NM_139009.3); c.77-338G>A (NM_139007.3, NM_139008.3); c.77-1709G>A (NM_139010.3); c.77-2143G>A (NM_139011.3); short protein forms R71Q, R48Q.
Identifiers: ClinVar variation 452680 (VCV000452680.7), dbSNP rs776741897, ClinGen allele CA3666613.